The following is an entry in ClinVar:

ClinVar aggregate classification (germline): Likely pathogenic (1 of 4 stars; one submission).

Conditions:
Menkes kinky-hair syndrome (MNK). Also called: Copper transport disease; Classic Menkes Disease; Menkes Disease. Identifiers: Orphanet 565, MedGen C0022716, MONDO:0010651, OMIM 309400.

Submission:

Myriad Genetics, Inc.
Classification: Likely pathogenic for Menkes kinky-hair syndrome. Last evaluated: 2022-01-02. Review status: criteria provided, single submitter. Criteria: Myriad Autosomal Dominant, Autosomal Recessive and X-Linked Classification Criteria (2023). Collection method: clinical testing. Allele origin: unknown.
Comment: NM_000052.5(ATP7A):c.2953delA(I985Yfs*28) is expected to be pathogenic in the context of ATP7A-related disorders. This variant is predicted to lead to an abnormal or absent protein product due to the creation of a premature termination codon in ATP7A, a gene where loss-of-function variants are known to be pathogenic. Please note: this variant was assessed in the context of healthy population screening.

NM_000052.7(ATP7A):c.2953del (p.Ile985fs)

Gene: ATP7A (ATPase copper transporting alpha; plus strand). Cytogenetic location: Xq21.1.
Variant type: Deletion.
Coding change: c.2953del on transcript NM_000052.7 (MANE Select); coding-DNA position 2953, one base deleted (A; older notation c.2953delA).
Protein change: p.Ile985fs; shifts the reading frame from isoleucine 985.
Molecular consequence: frameshift variant.
Genome position (GRCh38, 1-based): chrX:78,029,286, A deleted; the last of 2 consecutive A bases (chrX:78,029,285-78,029,286); deleting either gives the same sequence. VCF-style (leftmost placement, unchanged base first): chrX-78029284-TA-T. GRCh37 (hg19) VCF-style: chrX-77284781-TA-T.
Other names: c.2719del, p.Ile907fs (NM_001282224.2); short protein forms I907fs, I985fs.
Identifiers: ClinVar variation 1726798 (VCV001726798.3), dbSNP rs2522392299, ClinGen allele CA2580101976.